The following is an entry in ClinVar:

ClinVar aggregate classification (germline): Uncertain significance (1 of 4 stars; one submission).

Conditions:
Renal hypodysplasia/aplasia 3 (RHDA3). Identifiers: MedGen C4540497, MONDO:0024520, OMIM 617805.

gnomAD v4.1: 9 of 1,551,586 alleles (0.00058%); highest among the groups gnomAD compares: Non-Finnish European, 0.00078%; no homozygotes.

Submission:

Institute of Human Genetics, University of Leipzig Medical Center
Classification: Uncertain significance for Renal hypodysplasia/aplasia 3. Last evaluated: 2022-10-10. Review status: criteria provided, single submitter. Criteria: ACMG Guidelines, 2015. Collection method: clinical testing. Allele origin: unknown. Affected: yes.
Comment: _x000D_ Criteria applied: PM2_SUP, PP2, PP3, PP4

NM_001142966.3(GREB1L):c.5246A>T (p.Asp1749Val)

Gene: GREB1L (GREB1 like retinoic acid receptor coactivator; plus strand). Cytogenetic location: 18q11.2.
Variant type: single nucleotide variant.
Coding change: c.5246A>T on transcript NM_001142966.3 (MANE Select); coding-DNA position 5246, A replaced by T.
Protein change: p.Asp1749Val; replaces aspartic acid 1749 with valine.
Molecular consequence: missense variant.
Genome position (GRCh38, 1-based): chr18:21,516,729, A>T. VCF-style: chr18-21516729-A-T. GRCh37 (hg19) VCF-style: chr18-19096690-A-T.
Other names: c.5375A>T, p.Asp1792Val (NM_001410867.1); c.4919A>T, p.Asp1640Val (NM_001410868.1); short protein forms D1640V, D1749V, D1792V.
Identifiers: ClinVar variation 1712327 (VCV001712327.1), dbSNP rs2512016393, ClinGen allele CA401735527.